The following is an entry in ClinVar:

NM_000179.3(MSH6):c.3247G>A (p.Glu1083Lys)

Gene: MSH6 (mutS homolog 6; plus strand). Cytogenetic location: 2p16.3.
Variant type: single nucleotide variant.
Coding change: c.3247G>A on transcript NM_000179.3 (MANE Select); coding-DNA position 3247, G replaced by A.
Protein change: p.Glu1083Lys; replaces glutamic acid 1083 with lysine.
Molecular consequence: missense variant.
Genome position (GRCh38, 1-based): chr2:47,803,494, G>A. VCF-style: chr2-47803494-G-A. GRCh37 (hg19) VCF-style: chr2-48030633-G-A.
Other names: c.2857G>A, p.Glu953Lys (NM_001281492.2); c.2341G>A, p.Glu781Lys (NM_001281493.2, NM_001281494.2, NM_001406811.1 and 6 more transcripts); c.3343G>A, p.Glu1115Lys (NM_001406795.1, NM_001406802.1); c.3247G>A, p.Glu1083Lys (NM_001406796.1, NM_001406800.1, NM_001406808.1 and 1 more transcripts); c.2950G>A, p.Glu984Lys (NM_001406797.1, NM_001406801.1, NM_001406805.1 and 10 more transcripts); c.2722G>A, p.Glu908Lys (NM_001406799.1, NM_001406806.1, NM_001406807.1); c.2383G>A, p.Glu795Lys (NM_001406803.1); c.3169G>A, p.Glu1057Lys (NM_001406804.1); and 6 more; short protein forms E1115K, E32K, E398K, E561K, E781K, E795K, E908K, E953K.
Identifiers: ClinVar variation 1719941 (VCV001719941.9), dbSNP rs763844573, ClinGen allele CA346758114.
Genomic context (GRCh38, chr2:47,803,494, plus strand): 5'-CTGGCTAACTATAGTCGAGGGGGTGATGGTCCTATGTGTCGCCCAGTAATTCTGTTGCCG[G>A]AAGATACCCCCCCCTTCTTAGAGCTTAAAGGATCACGCCATCCTTGCATTACGAAGACTT-3'
Protein context (NP_000170.1, residues 1073-1093): PMCRPVILLP[Glu1083Lys]DTPPFLELKG

ClinVar aggregate classification (germline): Uncertain significance. Review status: criteria provided, multiple submitters, no conflicts (2 of 4 stars). 2 submissions from 2 submitters: Uncertain significance (2). Last evaluated 2024-12-23.

Conditions:
Hereditary nonpolyposis colorectal neoplasms. Identifiers: MedGen C0009405, MeSH D003123.
Hereditary cancer-predisposing syndrome. Also called: Hereditary neoplastic syndrome; Neoplastic Syndromes, Hereditary; Hereditary Cancer Syndrome; Tumor predisposition. Identifiers: Orphanet 140162, MedGen C0027672, MeSH D009386, MONDO:0015356.

Submissions (2):

Ambry Genetics
Classification: Uncertain significance for Hereditary cancer-predisposing syndrome. Last evaluated: 2024-12-23. Review status: criteria provided, single submitter. Criteria: Ambry Variant Classification Scheme 2023. Collection method: clinical testing. Allele origin: germline.
Comment: The p.E1083K variant (also known as c.3247G>A), located in coding exon 5 of the MSH6 gene, results from a G to A substitution at nucleotide position 3247. The glutamic acid at codon 1083 is replaced by lysine, an amino acid with similar properties. This amino acid position is not well conserved in available vertebrate species. In addition, the in silico prediction for this alteration is inconclusive. Based on the available evidence, the clinical significance of this variant remains unclear.

Labcorp Genetics (formerly Invitae), Labcorp
Classification: Uncertain significance for Hereditary nonpolyposis colorectal neoplasms. Last evaluated: 2022-09-21. Review status: criteria provided, single submitter. Criteria: Invitae Variant Classification Sherloc (09022015). Collection method: clinical testing. Allele origin: germline.
Comment: This sequence change replaces glutamic acid, which is acidic and polar, with lysine, which is basic and polar, at codon 1083 of the MSH6 protein (p.Glu1083Lys). This variant is not present in population databases (gnomAD no frequency). This variant has not been reported in the literature in individuals affected with MSH6-related conditions. Advanced modeling of protein sequence and biophysical properties (such as structural, functional, and spatial information, amino acid conservation, physicochemical variation, residue mobility, and thermodynamic stability) performed at Invitae indicates that this missense variant is not expected to disrupt MSH6 protein function. In summary, the available evidence is currently insufficient to determine the role of this variant in disease. Therefore, it has been classified as a Variant of Uncertain Significance.